The following is an entry in ClinVar:

ClinVar aggregate classification (germline): Pathogenic. Review status: criteria provided, multiple submitters, no conflicts (2 of 4 stars). 5 submissions from 5 submitters: Pathogenic (5). Last evaluated 2025-07-28.

Conditions:
Familial cancer of breast. Also called: BREAST CANCER, FAMILIAL; Hereditary breast cancer; hereditary breast carcinoma. Identifiers: Orphanet 227535, MedGen C0346153, MONDO:0016419, OMIM 114480. Disease mechanism: loss of function.
Hereditary cancer-predisposing syndrome. Also called: Hereditary Cancer Syndrome; Tumor predisposition; Neoplastic Syndromes, Hereditary; Hereditary neoplastic syndrome. Identifiers: Orphanet 140162, MedGen C0027672, MeSH D009386, MONDO:0015356.
ATM-related cancer predisposition. Also called: ATM-related cancer susceptibility. Identifiers: MedGen CN377759, MONDO:0700270.
Ataxia-telangiectasia syndrome (AT). Also called: LOUIS-BAR SYNDROME; Ataxia telangiectasia (A-T); Cerebello-oculocutaneous telangiectasia; Immunodeficiency with ataxia telangiectasia; Ataxia-telangiectasia, complementation group E; ATAXIA-TELANGIECTASIA, COMPLEMENTATION GROUP A. Identifiers: Orphanet 100, MedGen C0004135, MONDO:0008840, OMIM 208900.

Submissions (5):

Dasa
Classification: Pathogenic for ATM-related cancer predisposition. Last evaluated: 2025-07-28. Review status: criteria provided, single submitter. Criteria: DASA Assertion Criteria. Collection method: clinical testing. Allele origin: germline.
Comment: NM_000051.4(ATM):c.5441dup (p.Leu1814Phefs*9) introduces a premature termination codon predicted to result in loss of normal protein function. Loss-of-function is an established mechanism of disease for this gene. This variant has been reported in an affected individual with ATM-related cancer predisposition in a genotype context consistent with recessive disease (PMID: 9887333). Segregation evidence has been reported in affected families. The variant is present at low frequency in population datasets. Based on the available data, this variant is classified as pathogenic.

Myriad Genetics, Inc.
Classification: Pathogenic for Familial cancer of breast. Last evaluated: 2024-01-25. Review status: criteria provided, single submitter. Criteria: Myriad Autosomal Dominant, Autosomal Recessive and X-Linked Classification Criteria (2023). Collection method: clinical testing. Allele origin: unknown.
Comment: This variant is considered pathogenic. This variant creates a frameshift predicted to result in premature protein truncation.

Labcorp Genetics (formerly Invitae), Labcorp
Classification: Pathogenic for Ataxia-telangiectasia syndrome. Last evaluated: 2023-09-08. Review status: criteria provided, single submitter. Criteria: Invitae Variant Classification Sherloc (09022015). Collection method: clinical testing. Allele origin: germline.
Comment: This sequence change creates a premature translational stop signal (p.Leu1814Phefs*9) in the ATM gene. It is expected to result in an absent or disrupted protein product. Loss-of-function variants in ATM are known to be pathogenic (PMID: 23807571, 25614872). This variant is not present in population databases (gnomAD no frequency). This premature translational stop signal has been observed in individual(s) with ataxia-telangiectasia (PMID: 9887333). This variant is also known as 5441insT. ClinVar contains an entry for this variant (Variation ID: 482601). For these reasons, this variant has been classified as Pathogenic.

Ambry Genetics
Classification: Pathogenic for Hereditary cancer-predisposing syndrome. Last evaluated: 2022-05-27. Review status: criteria provided, single submitter. Criteria: Ambry Variant Classification Scheme 2023. Collection method: clinical testing. Allele origin: germline.
Comment: The c.5441dupT pathogenic mutation, located in coding exon 35 of the ATM gene, results from a duplication of T at nucleotide position 5441, causing a translational frameshift with a predicted alternate stop codon (p.L1814Ffs*9). This mutation (designated as 5441insT) has been reported in an individual with a clinical diagnosis of ataxia telangiectasia (Sandoval N et al. Hum Mol Genet, 1999 Jan;8:69-79). This variant is considered to be rare based on population cohorts in the Genome Aggregation Database (gnomAD). In addition to the clinical data presented in the literature, this alteration is expected to result in loss of function by premature protein truncation or nonsense-mediated mRNA decay. As such, this alteration is interpreted as a disease-causing mutation.

Color Diagnostics, LLC DBA Color Health
Classification: Pathogenic for Hereditary cancer-predisposing syndrome. Last evaluated: 2020-05-08. Review status: criteria provided, single submitter. Criteria: ACMG Guidelines, 2015. Collection method: clinical testing. Allele origin: germline.
Comment: This variant inserts 1 nucleotide in exon 36 of the ATM gene, creating a frameshift and premature translation stop signal. This variant is expected to result in an absent or non-functional protein product. This variant has been reported in the compound heterozygous state in an individual affected with ataxia telangiectasia (PMID: 9887333). This variant has not been identified in the general population by the Genome Aggregation Database (gnomAD). Loss of ATM function is a known mechanism of disease. Based on the available evidence, this variant is classified as Pathogenic.

Literature cited by the submitters: PubMed 9887333 (cited by 3 submitters); PubMed 23807571 (cited by Labcorp Genetics (formerly Invitae), Labcorp); PubMed 25614872 (cited by Labcorp Genetics (formerly Invitae), Labcorp).

NM_000051.4(ATM):c.5441dup (p.Leu1814fs)

Gene: ATM (ATM serine/threonine kinase; plus strand). Cytogenetic location: 11q22.3.
Variant type: Duplication.
Coding change: c.5441dup on transcript NM_000051.4 (MANE Select); coding-DNA position 5441, one base duplicated (T; older notation c.5441dupT).
Protein change: p.Leu1814fs; shifts the reading frame from leucine 1814.
Molecular consequence: frameshift variant.
Genome position (GRCh38, 1-based): chr11:108,302,974, T duplicated; the last of 6 consecutive T bases (chr11:108,302,969-108,302,974); duplicating any one gives the same sequence. VCF-style (leftmost placement, unchanged base first): chr11-108302968-C-CT. GRCh37 (hg19) VCF-style: chr11-108173695-C-CT.
Other names: c.5441dupT (NM_000051.3); c.5441dup, p.Leu1814fs (NM_001351834.2); short protein forms L1814fs.
Identifiers: ClinVar variation 482601 (VCV000482601.17), dbSNP rs1555106508, ClinGen allele CA658656256.